The following is an entry in ClinVar:

ClinVar aggregate classification (germline): Conflicting classifications of pathogenicity. Review status: criteria provided, conflicting classifications (1 of 4 stars). 16 submissions from 16 submitters: Uncertain significance (5); Benign (1); Likely benign (9). 1 of the submissions does not count toward it. Last evaluated 2026-08-01.

Conditions:
Cardiovascular phenotype. Identifiers: MedGen CN230736.
Left ventricular noncompaction cardiomyopathy. Also called: left ventricular non-compaction cardiomyopathy. Identifiers: MedGen C4021133, HP:0011664.
Hypertrophic cardiomyopathy. Also called: HYPERTROPHIC MYOCARDIOPATHY. Identifiers: Orphanet 217569, MedGen C0007194, MeSH D002312, MONDO:0005045, HP:0001639.
Brugada syndrome. Also called: Sudden unexplained nocturnal death syndrome; Sudden unexpected nocturnal death syndrome; Sudden Unexplained Death Syndrome; Sudden Unexplained Nocturnal Death Syndrome (SUNDS). Identifiers: Orphanet 130, MedGen C1142166, MONDO:0015263.
MYH6-related disorder. Also called: MYH6-related condition; MYH6-Related Disorders.
Long QT syndrome (LQTS). Identifiers: MedGen C0023976, MeSH D008133, MONDO:0002442. Disease mechanism: loss of function. Inheritance: Various modes of inheritance.
Cardiomyopathy (CMYO). Also called: Cardiomyopathies. Identifiers: Orphanet 167848, MedGen C0878544, MONDO:0004994, HP:0001638. Inheritance: Various modes of inheritance.
Hypertrophic cardiomyopathy 1 (CMH1). Also called: Familial hypertrophic cardiomyopathy 1; MYH7-Related Familial Hypertrophic Cardiomyopathy. Identifiers: MedGen C3495498, MONDO:0008647, OMIM 192600.
Hypertrophic cardiomyopathy 14. Identifiers: MedGen C2750467, MONDO:0013197, OMIM 613251.

Allele frequency attached by ClinVar (database versions not stated): gnomAD 0.00026 and 0.00029; gnomAD exomes 0.00026 and 0.00040; TOPMed 0.00029; ESP Exome Variant Server 0.00031; ExAC 0.00042.
gnomAD v4.1: 418 of 1,613,992 alleles (0.026%); highest among the groups gnomAD compares: Middle Eastern, 0.43%; no homozygotes.

Submissions (16):

CeGaT Center for Human Genetics Tuebingen
Classification: Likely benign. Last evaluated: 2026-08-01. Review status: criteria provided, single submitter. Criteria: CeGaT Center For Human Genetics Tuebingen Variant Classification Criteria Version 2. Collection method: clinical testing. Allele origin: germline. Affected: yes. Observed: 2 variant alleles.
Comment: MYH6: BS1

Labcorp Genetics (formerly Invitae), Labcorp
Classification: Likely benign for Hypertrophic cardiomyopathy 14. Last evaluated: 2025-12-25. Review status: criteria provided, single submitter. Criteria: Invitae Variant Classification Sherloc (09022015). Collection method: clinical testing. Allele origin: germline.

PreventionGenetics, part of Exact Sciences
Classification: Likely benign for MYH6-related condition. Last evaluated: 2024-11-09. Review status: criteria provided, single submitter. Criteria: ACMG Guidelines, 2015. Collection method: clinical testing. Allele origin: germline.
Comment: This variant is classified as likely benign based on ACMG/AMP sequence variant interpretation guidelines (Richards et al. 2015 PMID: 25741868, with internal and published modifications).

Blueprint Genetics
Classification: Likely benign. Last evaluated: 2024-08-23. Review status: criteria provided, single submitter. Criteria: ACMG Guidelines, 2015. Collection method: clinical testing. Allele origin: germline.

Dept of Medical Biology, Uskudar University
Classification: Uncertain significance for Long QT syndrome. Last evaluated: 2024-01-08. Review status: criteria provided, single submitter. Criteria: Dept of Medical Biology Variant Classification. Collection method: research. Allele origin: maternal. Affected: yes. Observed: 1 variant allele.
Comment: Criteria: BS1, PP3

CHEO Genetics Diagnostic Laboratory, Children's Hospital of Eastern Ontario
Classification: Benign for Cardiomyopathy. Last evaluated: 2021-08-06. Review status: criteria provided, single submitter. Criteria: ACMG Guidelines, 2015. Collection method: clinical testing. Allele origin: germline. Study: Canadian Open Genetics Repository.

Women's Health and Genetics/Laboratory Corporation of America, LabCorp
Classification: Likely benign. Last evaluated: 2020-11-17. Review status: criteria provided, single submitter. Criteria: LabCorp Variant Classification Summary - May 2015. Collection method: clinical testing. Allele origin: germline.
Comment: Variant summary: MYH6 c.831G>T (p.Gln277His) results in a non-conservative amino acid change located in the Myosin head, motor domain of the encoded protein sequence. Four of five in-silico tools predict a damaging effect of the variant on protein function. The variant allele was found at a frequency of 0.0004 in 251478 control chromosomes, predominantly at a frequency of 0.0014 within the Latino subpopulation in the gnomAD database. The observed variant frequency within Latino control individuals in the gnomAD database is approximately 56 fold of the estimated maximal expected allele frequency for a pathogenic variant in MYH6 causing Cardiomyopathy phenotype (2.5e-05), strongly suggesting that the variant is a benign polymorphism found primarily in populations of Latino origin. c.831G>T has been reported in the literature in individuals affected with Cardiomyopathy and Hypoplastic left heart syndrome (Ng_2013, Tomita-Mitchell_2016, Pulignani_2018, Westphal_2019, Martinez-Matilla_2019). These reports do not provide unequivocal conclusions about association of the variant with Cardiomyopathy. To our knowledge, no experimental evidence demonstrating an impact on protein function has been reported. Six ClinVar submitters (evaluation after 2014) cite the variant as uncertain significance (3x) and likely benign (3x). Based on the evidence outlined above, the variant was classified as likely benign.

Molecular Diagnostic Laboratory for Inherited Cardiovascular Disease, Montreal Heart Institute
Classification: Uncertain significance for Hypertrophic cardiomyopathy 1. Last evaluated: 2019-12-10. Review status: criteria provided, single submitter. Criteria: ACMG Guidelines, 2015. Collection method: clinical testing. Allele origin: germline. Affected: yes.

Laboratory for Molecular Medicine, Mass General Brigham Personalized Medicine
Classification: Likely benign. Last evaluated: 2019-11-13. Review status: criteria provided, single submitter. Criteria: LMM Criteria. Collection method: clinical testing. Allele origin: germline. Observed: 5 variant alleles.
Comment: The p.Gln277His variant in MYH6 is classified as likely benign because it has been identified in 0.14% (50/35424) of Latino chromosomes by gnomAD. ACMG/AMP Criteria applied: BS1

Ambry Genetics
Classification: Likely benign for Cardiovascular phenotype. Last evaluated: 2019-07-29. Review status: criteria provided, single submitter. Criteria: Ambry Variant Classification Scheme 2023. Collection method: clinical testing. Allele origin: germline.

ARUP Laboratories, Molecular Genetics and Genomics, ARUP Laboratories
Classification: Uncertain significance. Last evaluated: 2019-07-26. Review status: criteria provided, single submitter. Criteria: ARUP Molecular Germline Variant Investigation Process. Collection method: clinical testing. Allele origin: germline.
Comment: The MYH6 c.831G>T; p.Gln277His variant (rs140660481) is reported in the literature in individuals affected with congenital heart defects but not in individuals with dilated cardiomyopathy (Tomita-Mitchell 2016 and Pulignani 2018). However, this variant is also found in the Latino population with an allele frequency of 0.14 % (50 / 35,424 alleles) in the Genome Aggregation Database. This variant is reported as likely benign and VUS in ClinVar (Variation ID: 177985). The glutamine at codon 277 is moderately conserved, and computational analyses (SIFT, PolyPhen-2) predict conflicting effects of this variant on protein structure/function. However, given the lack of clinical data in syndromes typically associated with MYH6 variants and functional data, the significance of the p.Gln277His variant is uncertain at this time.

GeneDx
Classification: Likely benign. Last evaluated: 2019-07-22. Review status: criteria provided, single submitter. Criteria: GeneDx Variant Classification Process June 2021. Collection method: clinical testing. Allele origin: germline. Affected: yes.
Comment: This variant is associated with the following publications: (PMID: 23861362, 27789736, 29332214, 32880476)

Revvity Omics, Revvity
Classification: Uncertain significance. Last evaluated: 2019-03-19. Review status: criteria provided, single submitter. Criteria: ACMG Guidelines, 2015. Collection method: clinical testing. Allele origin: germline.

Agnes Ginges Centre for Molecular Cardiology, Centenary Institute
Classification: Likely benign for hypertrophic cardiomyopathy; Brugada syndrome; left ventricular non-compaction cardiomyopathy. Last evaluated: 2018-06-05. Review status: criteria provided, single submitter. Criteria: ACMG Guidelines, 2015. Collection method: research. Allele origin: germline. Inheritance: Autosomal dominant inheritance. Affected: yes.
Comment: MYH6 Gln277His has been identified in 2 HCM, 1 LVNC and 1 Brugada syndrome proband from our research program. This variant has been found in the Genome Aggregation Databaseat an allele frequency of 0.00037, which is higher then expected for any these inherited heart condition. Considering the variable phenotypes and population frequency we classify this variant as 'likely benign'.

Biesecker Lab/Clinical Genomics Section, National Institutes of Health
Classification: Uncertain significance. Last evaluated: 2013-06-24. Review status: criteria provided, single submitter. Criteria: Ng et al. (Circ Cardiovasc Genet. 2013). Collection method: research. Allele origin: unknown. Observed: 1 variant allele. Study: ClinSeq.
Comment: The study set was not selected for affection status in relation to any cancer. Pathogenicity categories were based on literature curation. See Pubmed ID:23861362 for details.

Medical sequencing

Zaffran Lab, Genetics of Cardiac Diseases Laboratory, Marseille Medical Genetics
Classification: Uncertain significance for hypertrophic cardiomyopathy. Review status: no assertion criteria provided. Collection method: research. Allele origin: unknown. Affected: yes. Not counted in ClinVar's aggregate classification.

Literature cited by the submitters: PubMed 23861362 (cited by 4 submitters); PubMed 29332214 (cited by 3 submitters); PubMed 27789736 (cited by 4 submitters); PubMed 30868567 (cited by Women's Health and Genetics/Laboratory Corporation of America, LabCorp); PubMed 31376648 (cited by Women's Health and Genetics/Laboratory Corporation of America, LabCorp).

NM_002471.4(MYH6):c.831G>T (p.Gln277His)

Gene: MYH6 (myosin heavy chain 6; minus strand). Cytogenetic location: 14q11.2.
Variant type: single nucleotide variant.
Coding change: c.831G>T on transcript NM_002471.4 (MANE Select); coding-DNA position 831, G replaced by T.
Protein change: p.Gln277His; replaces glutamine 277 with histidine.
Molecular consequence: missense variant.
Genome position (GRCh38, 1-based): chr14:23,403,415, C>A on the plus strand (G>T on the coding strand, the complement: MYH6 is on the minus strand). VCF-style: chr14-23403415-C-A. GRCh37 (hg19) VCF-style: chr14-23872624-C-A.
Other names: short protein forms Q277H.
Identifiers: ClinVar variation 177985 (VCV000177985.45), dbSNP rs140660481, ClinGen allele CA181127.